The following is an entry in ClinVar:

NM_000532.5(PCCB):c.1299+2dup

Gene: PCCB (propionyl-CoA carboxylase subunit beta; plus strand). Cytogenetic location: 3q22.3.
Variant type: Duplication.
Coding change: c.1299+2dup on transcript NM_000532.5 (MANE Select); the canonical splice donor site of the intron after coding-DNA position 1299, one base duplicated (T; older notation c.1299+2dupT).
Molecular consequence: splice donor variant.
Genome position (GRCh38, 1-based): chr3:136,327,257, T duplicated. VCF-style (leftmost placement, unchanged base first): chr3-136327256-G-GT. GRCh37 (hg19) VCF-style: chr3-136046098-G-GT.
Other names: c.1299+2dupT (NM_000532.5); c.1359+2dup (NM_001178014.2).
Identifiers: ClinVar variation 4536642 (VCV004536642.1).

ClinVar aggregate classification (germline): Uncertain significance (1 of 4 stars; one submission).

Submission:

Women's Health and Genetics/Laboratory Corporation of America, LabCorp
Classification: Uncertain significance. Last evaluated: 2025-11-17. Review status: criteria provided, single submitter. Criteria: LabCorp Variant Classification Summary - May 2015. Collection method: clinical testing. Allele origin: germline.
Comment: Variant summary: PCCB c.1299+2dupT alters a nucleotide located close to a canonical splice site and therefore could affect mRNA splicing, leading to a significantly altered protein sequence. Several computational tools predict a significant impact on normal splicing: Three predict the variant abolishes a 5' splicing donor site. One predicts the variant weakens a 5' donor site. However, these predictions have yet to be confirmed by functional studies. The variant was absent in 250962 control chromosomes. The available data on variant occurrences in the general population are insufficient to allow any conclusion about variant significance. To our knowledge, no occurrence of c.1299+2dupT in individuals affected with PCCB-related conditions and no experimental evidence demonstrating its impact on protein function have been reported. No submitters have cited clinical-significance assessments for this variant to ClinVar. Based on the evidence outlined above, the variant was classified as uncertain significance.